The following is an entry in ClinVar:

NM_138713.4(NFAT5):c.2731T>G (p.Ser911Ala)

Gene: NFAT5 (nuclear factor of activated T cells 5; plus strand). Cytogenetic location: 16q22.1.
Variant type: single nucleotide variant.
Coding change: c.2731T>G on transcript NM_138713.4 (MANE Select); coding-DNA position 2731, T replaced by G.
Protein change: p.Ser911Ala; replaces serine 911 with alanine.
Molecular consequence: missense variant.
Genome position (GRCh38, 1-based): chr16:69,692,556, T>G. VCF-style: chr16-69692556-T-G. GRCh37 (hg19) VCF-style: chr16-69726459-T-G.
Other names: c.2728T>G, p.Ser910Ala (NM_001113178.3); c.2056T>G, p.Ser686Ala (NM_001367709.1); c.2677T>G, p.Ser893Ala (NM_006599.4); c.2449T>G, p.Ser817Ala (NM_138714.4, NM_173214.3, NM_173215.3); short protein forms S893A, S910A, S686A, S817A, S911A.
Identifiers: ClinVar variation 1410186 (VCV001410186.8), dbSNP rs767567326, ClinGen allele CA396510670.

ClinVar aggregate classification (germline): Uncertain significance (1 of 4 stars; one submission).

Conditions:
Immunodeficiency. Identifiers: MedGen C0021051, MONDO:0021094, HP:0002721.

Submission:

Labcorp Genetics (formerly Invitae), Labcorp
Classification: Uncertain significance for Immunodeficiency. Last evaluated: 2022-02-10. Review status: criteria provided, single submitter. Criteria: Invitae Variant Classification Sherloc (09022015). Collection method: clinical testing. Allele origin: germline.
Comment: In summary, the available evidence is currently insufficient to determine the role of this variant in disease. Therefore, it has been classified as a Variant of Uncertain Significance. Algorithms developed to predict the effect of missense changes on protein structure and function are either unavailable or do not agree on the potential impact of this missense change (SIFT: "Deleterious"; PolyPhen-2: "Benign"; Align-GVGD: "Class C0"). This variant has not been reported in the literature in individuals affected with NFAT5-related conditions. This variant is not present in population databases (gnomAD no frequency). This sequence change replaces serine, which is neutral and polar, with alanine, which is neutral and non-polar, at codon 817 of the NFAT5 protein (p.Ser817Ala).